The following is an entry in ClinVar:

ClinVar aggregate classification (germline): Benign/Likely benign. Review status: criteria provided, multiple submitters, no conflicts (2 of 4 stars). 2 submissions from 2 submitters: Benign (1); Likely benign (1). Last evaluated 2026-04-30.

Conditions:
Colorectal cancer, hereditary nonpolyposis, type 7. Identifiers: Orphanet 144, MedGen C1858380, MONDO:0013725, OMIM 614385.

Submissions (2):

Myriad Genetics, Inc.
Classification: Benign for Colorectal cancer, hereditary nonpolyposis, type 7. Last evaluated: 2026-04-30. Review status: criteria provided, single submitter. Criteria: Myriad Autosomal Dominant, Autosomal Recessive and X-Linked Classification Criteria (2023). Collection method: clinical testing. Allele origin: unknown.
Comment: This variant is considered benign. This variant is a silent/synonymous amino acid change and it is not expected to impact splicing.

Ambry Genetics
Classification: Likely benign. Last evaluated: 2021-11-06. Review status: criteria provided, single submitter. Criteria: Ambry Variant Classification Scheme 2023. Collection method: clinical testing. Allele origin: germline.

NM_001040108.2(MLH3):c.1821C>T (p.Gly607=)

Gene: MLH3 (mutL homolog 3; minus strand). Cytogenetic location: 14q24.3.
Variant type: single nucleotide variant.
Coding change: c.1821C>T on transcript NM_001040108.2 (MANE Select); coding-DNA position 1821, C replaced by T.
Protein change: p.Gly607=; no amino-acid change (glycine 607 retained).
Molecular consequence: synonymous variant.
Genome position (GRCh38, 1-based): chr14:75,047,835, G>A on the plus strand (C>T on the coding strand, the complement: MLH3 is on the minus strand). VCF-style: chr14-75047835-G-A. GRCh37 (hg19) VCF-style: chr14-75514538-G-A.
Other names: c.1821C>T, p.Gly607= (NM_014381.3).
Identifiers: ClinVar variation 1780769 (VCV001780769.3), dbSNP rs1892361295, ClinGen allele CA487273318.